The following is an entry in ClinVar:

ClinVar aggregate classification (germline): Uncertain significance (1 of 4 stars; one submission).

Conditions:
Hypertrophic cardiomyopathy. Also called: HYPERTROPHIC MYOCARDIOPATHY. Identifiers: Orphanet 217569, MedGen C0007194, MeSH D002312, MONDO:0005045, HP:0001639.

Submission:

All of Us Research Program, National Institutes of Health
Classification: Uncertain significance for Hypertrophic cardiomyopathy. Last evaluated: 2023-07-19. Review status: criteria provided, single submitter. Criteria: ACMG Guidelines, 2015. Collection method: clinical testing. Allele origin: germline. Inheritance: Autosomal dominant inheritance. Observed: 1 variant allele, 1 heterozygote.
Comment: This variant deletes one nucleotide in intron 9 of the MYBPC3 gene. To our knowledge, functional studies have not been reported for this variant. This variant has not been reported in individuals affected with MYBPC3-related disorders in the literature. This variant has not been identified in the general population by the Genome Aggregation Database (gnomAD). The available evidence is insufficient to determine the role of this variant in disease conclusively. Therefore, this variant is classified as a Variant of Uncertain Significance.

This study involves interpretation of variants in research participants for the purpose of population health screening. Participant phenotype was not available at the time of variant classification. Additional details can be found in publication PMID: 35346344, PMCID: PMC8962531

NM_000256.3(MYBPC3):c.906-3del

Gene: MYBPC3 (myosin binding protein C3; minus strand). Cytogenetic location: 11p11.2.
Variant type: Deletion.
Coding change: c.906-3del on transcript NM_000256.3 (MANE Select); 3 bases into the intron before coding-DNA position 906, one base deleted (C; older notation c.906-3delC).
Molecular consequence: intron variant.
Genome position (GRCh38, 1-based): chr11:47,347,032, G deleted on the plus strand (C on the coding strand, the reverse complement: MYBPC3 is on the minus strand); the first of 3 consecutive G bases (chr11:47,347,032-47,347,034); deleting any one gives the same sequence. VCF-style (leftmost placement, unchanged base first): chr11-47347031-TG-T. GRCh37 (hg19) VCF-style: chr11-47368582-TG-T.
Identifiers: ClinVar variation 3072472 (VCV003072472.1), dbSNP rs2095895019, ClinGen allele CA937657506.